The following is an entry in ClinVar:

ClinVar aggregate classification (germline): Uncertain significance (1 of 4 stars; one submission).

Conditions:
Inborn genetic diseases. Identifiers: MedGen C0950123, MeSH D030342.

gnomAD v4.1: 2 of 1,613,112 alleles (0.00012%); highest among the groups gnomAD compares: Non-Finnish European, 0.00017%; no homozygotes.

Submission:

Ambry Genetics
Classification: Uncertain significance for Inborn genetic diseases. Last evaluated: 2025-05-22. Review status: criteria provided, single submitter. Criteria: Ambry Variant Classification Scheme 2023. Collection method: clinical testing. Allele origin: germline.
Comment: The p.Q872L variant (also known as c.2615A>T), located in coding exon 21 of the KDM1A gene, results from an A to T substitution at nucleotide position 2615. The glutamine at codon 872 is replaced by leucine, an amino acid with dissimilar properties. This amino acid position is conserved. In addition, the in silico prediction for this alteration is inconclusive. Based on the available evidence, the clinical significance of this variant remains unclear.

NM_001009999.3(KDM1A):c.2615A>T (p.Gln872Leu)

Gene: KDM1A (lysine demethylase 1A; plus strand). Cytogenetic location: 1p36.12.
Variant type: single nucleotide variant.
Coding change: c.2615A>T on transcript NM_001009999.3 (MANE Select); coding-DNA position 2615, A replaced by T.
Protein change: p.Gln872Leu; replaces glutamine 872 with leucine.
Molecular consequence: missense variant. On other transcripts: 3 prime UTR variant (1).
Genome position (GRCh38, 1-based): chr1:23,083,348, A>T. VCF-style: chr1-23083348-A-T. GRCh37 (hg19) VCF-style: chr1-23409841-A-T.
Other names: c.2561A>T, p.Gln854Leu (NM_001363654.2); c.2621A>T, p.Gln874Leu (NM_001410762.1); c.*863A>T (NM_001410763.1); c.2543A>T, p.Gln848Leu (NM_015013.4); short protein forms Q848L, Q872L, Q874L, Q854L.
Identifiers: ClinVar variation 4042151 (VCV004042151.1).
Genomic context (GRCh38, chr1:23,083,348, plus strand): 5'-AGTTTTTGGGGGCCATGTATACGCTGCCTCGCCAGGCCACACCAGGTGTTCCTGCACAGC[A>T]GTCCCCAAGCATGTGAGACAGATGCATTCTAAGGGAAGAGGCCCATGTGCCTGTTTCTGC-3'
Protein context (NP_001009999.1, residues 862-876): RQATPGVPAQ[Gln872Leu]SPSM